The following is an entry in ClinVar:

ClinVar aggregate classification (germline): Conflicting classifications of pathogenicity. Review status: criteria provided, conflicting classifications (1 of 4 stars). 3 submissions from 3 submitters: Uncertain significance (2); Likely benign (1). Last evaluated 2025-03-01.

Conditions:
Inborn genetic diseases. Identifiers: MedGen C0950123, MeSH D030342.

Allele frequency attached by ClinVar (database versions not stated): gnomAD exomes below 0.00001; ExAC 0.00001; gnomAD 0.00001; 1000 Genomes Project 0.00020; 1000 Genomes Project 30x 0.00031.
gnomAD v4.1: 1 of 1,614,222 alleles (0.000062%); highest among the groups gnomAD compares: East Asian, 0.0022%; no homozygotes.

Submissions (3):

Ambry Genetics
Classification: Uncertain significance for Inborn genetic diseases. Last evaluated: 2025-03-01. Review status: criteria provided, single submitter. Criteria: Ambry Variant Classification Scheme 2023. Collection method: clinical testing. Allele origin: germline.
Comment: The p.D1017A variant (also known as c.3050A>C), located in coding exon 13 of the ASXL1 gene, results from an A to C substitution at nucleotide position 3050. The aspartic acid at codon 1017 is replaced by alanine, an amino acid with dissimilar properties. This amino acid position is conserved. In addition, this alteration is predicted to be tolerated by in silico analysis. Based on the available evidence, the clinical significance of this variant remains unclear.

Labcorp Genetics (formerly Invitae), Labcorp
Classification: Uncertain significance. Last evaluated: 2022-12-20. Review status: criteria provided, single submitter. Criteria: Invitae Variant Classification Sherloc (09022015). Collection method: clinical testing. Allele origin: germline.
Comment: In summary, the available evidence is currently insufficient to determine the role of this variant in disease. Therefore, it has been classified as a Variant of Uncertain Significance. Algorithms developed to predict the effect of missense changes on protein structure and function output the following: SIFT: "Tolerated"; PolyPhen-2: "Benign"; Align-GVGD: "Class C0". The alanine amino acid residue is found in multiple mammalian species, which suggests that this missense change does not adversely affect protein function. ClinVar contains an entry for this variant (Variation ID: 1675853). This variant has not been reported in the literature in individuals affected with ASXL1-related conditions. This variant is present in population databases (rs545071926, gnomAD 0.006%). This sequence change replaces aspartic acid, which is acidic and polar, with alanine, which is neutral and non-polar, at codon 1017 of the ASXL1 protein (p.Asp1017Ala).

CeGaT Center for Human Genetics Tuebingen
Classification: Likely benign. Last evaluated: 2022-02-01. Review status: criteria provided, single submitter. Criteria: CeGaT Center For Human Genetics Tuebingen Variant Classification Criteria Version 2. Collection method: clinical testing. Allele origin: germline. Affected: yes. Observed: 1 variant allele.

NM_015338.6(ASXL1):c.3050A>C (p.Asp1017Ala)

Gene: ASXL1 (ASXL transcriptional regulator 1; plus strand). Cytogenetic location: 20q11.21.
Variant type: single nucleotide variant.
Coding change: c.3050A>C on transcript NM_015338.6 (MANE Select); coding-DNA position 3050, A replaced by C.
Protein change: p.Asp1017Ala; replaces aspartic acid 1017 with alanine.
Molecular consequence: missense variant.
Genome position (GRCh38, 1-based): chr20:32,435,762, A>C. VCF-style: chr20-32435762-A-C. GRCh37 (hg19) VCF-style: chr20-31023565-A-C.
Other names: c.3050A>C (NM_015338.5); c.2867A>C, p.Asp956Ala (NM_001363734.1); short protein forms D1017A, D956A.
Identifiers: ClinVar variation 1675853 (VCV001675853.37), dbSNP rs545071926, ClinGen allele CA9808751.